The following is an entry in ClinVar:

NM_017514.5(PLXNA3):c.1742A>C (p.Glu581Ala)

Gene: PLXNA3 (plexin A3; plus strand). Cytogenetic location: Xq28.
Variant type: single nucleotide variant.
Coding change: c.1742A>C on transcript NM_017514.5 (MANE Select); coding-DNA position 1742, A replaced by C.
Protein change: p.Glu581Ala; replaces glutamic acid 581 with alanine.
Molecular consequence: missense variant.
Genome position (GRCh38, 1-based): chrX:154,464,227, A>C. VCF-style: chrX-154464227-A-C. GRCh37 (hg19) VCF-style: chrX-153692570-A-C.
Other names: short protein forms E581A.
Identifiers: ClinVar variation 3351070 (VCV003351070.1).
Genomic context (GRCh38, chrX:154,464,227, plus strand): 5'-CCCTGCACAACGTGCCAGACCTCAGTGCGGGCGTGAGCTGCGCCTTCGAGGCGGCGGCGG[A>C]GAACGAGGCGGTCCTGCTGCCCTCCGGTGAACTGCTCTGCCCCTCACCCTCCCTCCAGGA-3'
Protein context (NP_059984.3, residues 571-591): GVSCAFEAAA[Glu581Ala]NEAVLLPSGE

ClinVar aggregate classification (germline): Uncertain significance (0 of 4 stars; one submission).

Conditions:
PLXNA3-related disorder. Also called: PLXNA3-related condition.

gnomAD v4.1: 53 of 1,207,219 alleles (0.0044%); highest among the groups gnomAD compares: Non-Finnish European, 0.0058%; no homozygotes.

Submission:

PreventionGenetics, part of Exact Sciences
Classification: Uncertain significance for PLXNA3-related condition. Last evaluated: 2024-05-01. Review status: no assertion criteria provided. Collection method: clinical testing. Allele origin: germline.
Comment: The PLXNA3 c.1742A>C variant is predicted to result in the amino acid substitution p.Glu581Ala. To our knowledge, this variant has not been reported in the literature. This variant is reported in 0.0052% of alleles in individuals of European (Non-Finnish) descent in gnomAD. At this time, the clinical significance of this variant is uncertain due to the absence of conclusive functional and genetic evidence.